The following is an entry in ClinVar:

ClinVar aggregate classification (germline): Uncertain significance (1 of 4 stars; one submission).

Conditions:
Gorlin syndrome. Also called: Nevoid Basal Cell Carcinoma Syndrome; Basal cell nevus syndrome. Identifiers: Orphanet 377, MedGen C0004779, MONDO:0007187.

Submission:

Labcorp Genetics (formerly Invitae), Labcorp
Classification: Uncertain significance for Gorlin syndrome. Last evaluated: 2020-06-12. Review status: criteria provided, single submitter. Criteria: Invitae Variant Classification Sherloc (09022015). Collection method: clinical testing. Allele origin: germline.
Comment: In summary, the available evidence is currently insufficient to determine the role of this variant in disease. Therefore, it has been classified as a Variant of Uncertain Significance. Experimental studies and prediction algorithms are not available or were not evaluated, and the functional significance of this variant is currently unknown. This variant has not been reported in the literature in individuals with PTCH1-related conditions. This variant is not present in population databases (ExAC no frequency). This variant, c.3478_3486del, results in the deletion of 3 amino acids of the PTCH1 protein (p.Thr1160_Leu1162del), but otherwise preserves the integrity of the reading frame.

NM_000264.5(PTCH1):c.3478_3486del (p.Thr1160_Leu1162del)

Gene: PTCH1 (patched 1; minus strand). Cytogenetic location: 9q22.32.
Variant type: Deletion.
Coding change: c.3478_3486del on transcript NM_000264.5 (MANE Select); coding-DNA positions 3478 to 3486, 9 bases deleted (ACCATCCTC; older notation c.3478_3486delACCATCCTC).
Protein change: p.Thr1160_Leu1162del.
Molecular consequence: inframe deletion. On other transcripts: non-coding transcript variant (1).
Genome position (GRCh38, 1-based): chr9:95,449,904-95,449,912, GAGGATGGT deleted on the plus strand (ACCATCCTC on the coding strand, the reverse complement: PTCH1 is on the minus strand); deleting any 9 consecutive bases within chr9:95,449,904-95,449,918 gives the same sequence; the c. name uses the placement nearest the transcript's 3' end. VCF-style (leftmost placement, unchanged base first): chr9-95449903-CGAGGATGGT-C. GRCh37 (hg19) VCF-style: chr9-98212185-CGAGGATGGT-C.
Other names: c.3280_3288del, p.Thr1094_Leu1096del (NM_001083602.3); c.3475_3483del, p.Thr1159_Leu1161del (NM_001083603.3); c.3025_3033del, p.Thr1009_Leu1011del (NM_001083604.3, NM_001083605.3, NM_001083606.3 and 1 more transcripts); c.3322_3330del, p.Thr1108_Leu1110del (NM_001354918.2).
Identifiers: ClinVar variation 1044585 (VCV001044585.9), dbSNP rs1838312038, ClinGen allele CA1865579380.
Genomic context (GRCh38, chr9:95,449,903, plus strand): 5'-CAGGATATGGTCCAAAGAAAGACAAAAGCACGGGAAGCAAAACCAGCCCATTGAGAACGC[CGAGGATGGT>C]GAGGATCGCCAGCACAGCAAAGAAATACCTGGGAGATCAAGAGGAAACGGGAACACGCGC-3'